The following is an entry in ClinVar:

NM_001386140.1(MTTP):c.266T>C (p.Val89Ala)

Gene: MTTP (microsomal triglyceride transfer protein; plus strand). Cytogenetic location: 4q23.
Variant type: single nucleotide variant.
Coding change: c.266T>C on transcript NM_001386140.1 (MANE Select); coding-DNA position 266, T replaced by C.
Protein change: p.Val89Ala; replaces valine 89 with alanine.
Molecular consequence: missense variant.
Genome position (GRCh38, 1-based): chr4:99,583,390, T>C. VCF-style: chr4-99583390-T-C. GRCh37 (hg19) VCF-style: chr4-100504547-T-C.
Other names: c.266T>C, p.Val89Ala (NM_000253.4); c.17T>C, p.Val6Ala (NM_001300785.2); c.266T>C (NM_000253.2); short protein forms V89A, V6A.
Identifiers: ClinVar variation 2084455 (VCV002084455.2), dbSNP rs1050037375, ClinGen allele CA102617438.

ClinVar aggregate classification (germline): Uncertain significance. Review status: criteria provided, multiple submitters, no conflicts (2 of 4 stars). 2 submissions from 2 submitters: Uncertain significance (2). Last evaluated 2024-06-13.

Conditions:
Inborn genetic diseases. Identifiers: MedGen C0950123, MeSH D030342.

Allele frequency attached by ClinVar (database versions not stated): gnomAD exomes 0.00001; TOPMed 0.00002.
gnomAD v4.1: 6 of 1,613,190 alleles (0.00037%); highest among the groups gnomAD compares: Admixed American, 0.01%; no homozygotes.

Submissions (2):

Ambry Genetics
Classification: Uncertain significance for Inborn genetic diseases. Last evaluated: 2024-06-13. Review status: criteria provided, single submitter. Criteria: Ambry Variant Classification Scheme 2023. Collection method: clinical testing. Allele origin: germline.

Labcorp Genetics (formerly Invitae), Labcorp
Classification: Uncertain significance. Last evaluated: 2022-05-29. Review status: criteria provided, single submitter. Criteria: Invitae Variant Classification Sherloc (09022015). Collection method: clinical testing. Allele origin: germline.
Comment: This sequence change replaces valine, which is neutral and non-polar, with alanine, which is neutral and non-polar, at codon 89 of the MTTP protein (p.Val89Ala). This variant is present in population databases (no rsID available, gnomAD 0.01%). This variant has not been reported in the literature in individuals affected with MTTP-related conditions. Algorithms developed to predict the effect of missense changes on protein structure and function are either unavailable or do not agree on the potential impact of this missense change (SIFT: "Deleterious"; PolyPhen-2: "Benign"; Align-GVGD: "Class C15"). In summary, the available evidence is currently insufficient to determine the role of this variant in disease. Therefore, it has been classified as a Variant of Uncertain Significance.